The following is an entry in ClinVar:

NM_021942.6(TRAPPC11):c.1463G>T (p.Trp488Leu)

Gene: TRAPPC11 (trafficking protein particle complex subunit 11; plus strand). Cytogenetic location: 4q35.1.
Variant type: single nucleotide variant.
Coding change: c.1463G>T on transcript NM_021942.6 (MANE Select); coding-DNA position 1463, G replaced by T.
Protein change: p.Trp488Leu; replaces tryptophan 488 with leucine.
Molecular consequence: missense variant.
Genome position (GRCh38, 1-based): chr4:183,684,737, G>T. VCF-style: chr4-183684737-G-T. GRCh37 (hg19) VCF-style: chr4-184605890-G-T.
Other names: c.1463G>T (NM_021942.4); c.1463G>T, p.Trp488Leu (NM_199053.3); short protein forms W488L.
Identifiers: ClinVar variation 655930 (VCV000655930.10), dbSNP rs779673117, ClinGen allele CA3151933.
Genomic context (GRCh38, chr4:183,684,737, plus strand): 5'-ACATTTTGTCTTCTTTGAGGTTGCTGGATTATGTGATGTGTGATTATCGGAGTGAAGGAT[G>T]GTGGACTCTGCTCACTTCTGTATTAACTACAGCTCTGAAGTGCTCCTACCTCATGGCCCA-3'
Protein context (NP_068761.4, residues 478-498): YVMCDYRSEG[Trp488Leu]WTLLTSVLTT

ClinVar aggregate classification (germline): Uncertain significance. Review status: criteria provided, multiple submitters, no conflicts (2 of 4 stars). 3 submissions from 3 submitters: Uncertain significance (3). Last evaluated 2024-11-14.

Conditions:
Autosomal recessive limb-girdle muscular dystrophy type R18 (LGMDR18). Also called: Autosomal recessive limb-girdle muscular dystrophy type 2S; Limb-girdle muscular dystrophy, type 2S; MUSCULAR DYSTROPHY, LIMB-GIRDLE, AUTOSOMAL RECESSIVE 18. Identifiers: Orphanet 369840, MedGen C4517996, MONDO:0014144, OMIM 615356.
Inborn genetic diseases. Identifiers: MedGen C0950123, MeSH D030342.

Allele frequency attached by ClinVar (database versions not stated): TOPMed 0.00002; gnomAD exomes 0.00003 and 0.00006; gnomAD 0.00004; ExAC 0.00009.
gnomAD v4.1: 53 of 1,613,830 alleles (0.0033%); highest among the groups gnomAD compares: Non-Finnish European, 0.0031%; no homozygotes.

Submissions (3):

Ambry Genetics
Classification: Uncertain significance for Inborn genetic diseases. Last evaluated: 2024-11-14. Review status: criteria provided, single submitter. Criteria: Ambry Variant Classification Scheme 2023. Collection method: clinical testing. Allele origin: germline.

Labcorp Genetics (formerly Invitae), Labcorp
Classification: Uncertain significance for Autosomal recessive limb-girdle muscular dystrophy type R18. Last evaluated: 2023-07-10. Review status: criteria provided, single submitter. Criteria: Invitae Variant Classification Sherloc (09022015). Collection method: clinical testing. Allele origin: germline.
Comment: This sequence change replaces tryptophan, which is neutral and slightly polar, with leucine, which is neutral and non-polar, at codon 488 of the TRAPPC11 protein (p.Trp488Leu). This variant is present in population databases (rs779673117, gnomAD 0.03%). This variant has not been reported in the literature in individuals affected with TRAPPC11-related conditions. ClinVar contains an entry for this variant (Variation ID: 655930). Advanced modeling of protein sequence and biophysical properties (such as structural, functional, and spatial information, amino acid conservation, physicochemical variation, residue mobility, and thermodynamic stability) performed at Invitae indicates that this missense variant is expected to disrupt TRAPPC11 protein function. In summary, the available evidence is currently insufficient to determine the role of this variant in disease. Therefore, it has been classified as a Variant of Uncertain Significance.

Revvity Omics, Revvity
Classification: Uncertain significance for Autosomal recessive limb-girdle muscular dystrophy type R18. Last evaluated: 2022-12-09. Review status: criteria provided, single submitter. Criteria: ACMG Guidelines, 2015. Collection method: clinical testing. Allele origin: germline.